The following is an entry in ClinVar:

NM_001330260.2(SCN8A):c.2166C>G (p.Cys722Trp)

Gene: SCN8A (sodium voltage-gated channel alpha subunit 8; plus strand). Cytogenetic location: 12q13.13.
Variant type: single nucleotide variant.
Coding change: c.2166C>G on transcript NM_001330260.2 (MANE Select); coding-DNA position 2166, C replaced by G.
Protein change: p.Cys722Trp; replaces cysteine 722 with tryptophan.
Molecular consequence: missense variant.
Genome position (GRCh38, 1-based): chr12:51,751,389, C>G. VCF-style: chr12-51751389-C-G. GRCh37 (hg19) VCF-style: chr12-52145173-C-G.
Other names: c.2166C>G, p.Cys722Trp (NM_001177984.3, NM_001369788.1, NM_014191.4); short protein forms C722W.
Identifiers: ClinVar variation 945997 (VCV000945997.10), dbSNP rs1555224370, ClinGen allele CA384879757.

ClinVar aggregate classification (germline): Uncertain significance (1 of 4 stars; one submission).

Conditions:
Early-infantile DEE. Also called: Early infantile epileptic encephalopathy; Ohtahara syndrome; Early infantile epileptic encephalopathy with suppression bursts. Identifiers: Orphanet 1934, MedGen C0393706, MONDO:0800491.

Submission:

Labcorp Genetics (formerly Invitae), Labcorp
Classification: Uncertain significance for Early-infantile DEE. Last evaluated: 2022-04-25. Review status: criteria provided, single submitter. Criteria: Invitae Variant Classification Sherloc (09022015). Collection method: clinical testing. Allele origin: germline.
Comment: In summary, the available evidence is currently insufficient to determine the role of this variant in disease. Therefore, it has been classified as a Variant of Uncertain Significance. Algorithms developed to predict the effect of missense changes on protein structure and function are either unavailable or do not agree on the potential impact of this missense change (SIFT: "Deleterious"; PolyPhen-2: "Probably Damaging"; Align-GVGD: "Class C15"). ClinVar contains an entry for this variant (Variation ID: 945997). This variant has not been reported in the literature in individuals affected with SCN8A-related conditions. This variant is not present in population databases (gnomAD no frequency). This sequence change replaces cysteine, which is neutral and slightly polar, with tryptophan, which is neutral and slightly polar, at codon 722 of the SCN8A protein (p.Cys722Trp).